The following is an entry in ClinVar:

ClinVar aggregate classification (germline): Uncertain significance. Review status: criteria provided, multiple submitters, no conflicts (2 of 4 stars). 2 submissions from 2 submitters: Uncertain significance (2). Last evaluated 2024-04-20.

Conditions:
Coenzyme Q10 deficiency, primary, 3 (COQ10D3). Identifiers: Orphanet 255249, MedGen C3553358, MONDO:0013838, OMIM 614652.

Allele frequency attached by ClinVar (database versions not stated): gnomAD exomes below 0.00001; ExAC 0.00001; gnomAD 0.00001; 1000 Genomes Project 30x 0.00016; 1000 Genomes Project 0.00020.
gnomAD v4.1: 2 of 1,613,764 alleles (0.00012%); highest among the groups gnomAD compares: East Asian, 0.0045%; no homozygotes.

Submissions (2):

Fulgent Genetics
Classification: Uncertain significance for Coenzyme Q10 deficiency, primary, 3. Last evaluated: 2024-04-20. Review status: criteria provided, single submitter. Criteria: ACMG Guidelines, 2015. Collection method: clinical testing. Allele origin: germline.

Labcorp Genetics (formerly Invitae), Labcorp
Classification: Uncertain significance. Last evaluated: 2022-08-21. Review status: criteria provided, single submitter. Criteria: Invitae Variant Classification Sherloc (09022015). Collection method: clinical testing. Allele origin: germline.
Comment: This sequence change replaces aspartic acid, which is acidic and polar, with histidine, which is basic and polar, at codon 180 of the PDSS2 protein (p.Asp180His). This variant is present in population databases (rs528977401, gnomAD 0.006%). This variant has not been reported in the literature in individuals affected with PDSS2-related conditions. Algorithms developed to predict the effect of missense changes on protein structure and function are either unavailable or do not agree on the potential impact of this missense change (SIFT: "Tolerated"; PolyPhen-2: "Probably Damaging"; Align-GVGD: "Class C0"). In summary, the available evidence is currently insufficient to determine the role of this variant in disease. Therefore, it has been classified as a Variant of Uncertain Significance.

NM_020381.4(PDSS2):c.538G>C (p.Asp180His)

Gene: PDSS2 (decaprenyl diphosphate synthase subunit 2; minus strand). Cytogenetic location: 6q21.
Variant type: single nucleotide variant.
Coding change: c.538G>C on transcript NM_020381.4 (MANE Select); coding-DNA position 538, G replaced by C.
Protein change: p.Asp180His; replaces aspartic acid 180 with histidine.
Molecular consequence: missense variant.
Genome position (GRCh38, 1-based): chr6:107,274,121, C>G on the plus strand (G>C on the coding strand, the complement: PDSS2 is on the minus strand). VCF-style: chr6-107274121-C-G. GRCh37 (hg19) VCF-style: chr6-107595325-C-G.
Other names: short protein forms D180H.
Identifiers: ClinVar variation 1985939 (VCV001985939.2), dbSNP rs528977401, ClinGen allele CA3946098.